The following is an entry in ClinVar:

ClinVar aggregate classification (germline): Uncertain significance (1 of 4 stars; one submission).

Allele frequency attached by ClinVar (database versions not stated): gnomAD exomes below 0.00001.
gnomAD v4.1: 1 of 1,612,488 alleles (0.000062%); highest among the groups gnomAD compares: Non-Finnish European, 0.000085%; no homozygotes.

Submission:

Labcorp Genetics (formerly Invitae), Labcorp
Classification: Uncertain significance. Last evaluated: 2023-06-16. Review status: criteria provided, single submitter. Criteria: Invitae Variant Classification Sherloc (09022015). Collection method: clinical testing. Allele origin: germline.
Comment: In summary, the available evidence is currently insufficient to determine the role of this variant in disease. Therefore, it has been classified as a Variant of Uncertain Significance. This variant is not present in population databases (gnomAD no frequency). This variant has not been reported in the literature in individuals affected with MFAP5-related conditions. An algorithm developed to predict the effect of missense changes on protein structure and function (PolyPhen-2) suggests that this variant is likely to be disruptive. Algorithms developed to predict the effect of sequence changes on RNA splicing suggest that this variant may disrupt the consensus splice site. This sequence change replaces proline, which is neutral and non-polar, with alanine, which is neutral and non-polar, at codon 23 of the MFAP5 protein (p.Pro23Ala).

NM_003480.4(MFAP5):c.67C>G (p.Pro23Ala)

Gene: MFAP5 (microfibril associated protein 5; minus strand). Cytogenetic location: 12p13.31.
Variant type: single nucleotide variant.
Coding change: c.67C>G on transcript NM_003480.4 (MANE Select); coding-DNA position 67, C replaced by G.
Protein change: p.Pro23Ala; replaces proline 23 with alanine.
Molecular consequence: missense variant. On other transcripts: non-coding transcript variant (2), intron variant (1).
Genome position (GRCh38, 1-based): chr12:8,660,890, G>C on the plus strand (C>G on the coding strand, the complement: MFAP5 is on the minus strand). VCF-style: chr12-8660890-G-C. GRCh37 (hg19) VCF-style: chr12-8813486-G-C.
Other names: c.67C>G, p.Pro23Ala (NM_001297709.2, NM_001297711.2, NM_001297712.2); c.58+1157C>G (NM_001297710.2); short protein forms P23A.
Identifiers: ClinVar variation 2717617 (VCV002717617.3), dbSNP rs772400948, ClinGen allele CA384039628.
Genomic context (GRCh38, chr12:8,660,890, plus strand): 5'-CCCAACAGAGCCGCTATCCAAGGGTTCACCTACCTCCTCGTTGACTATTGACCCCCAGGG[G>C]TATCCAGTCTATAGCAAAGGAAGAGAAAAGAGATGTGAGTGACTGCAGCTCTATACCTCG-3'
Protein context (NP_003471.1, residues 13-33): AAFIITSDWI[Pro23Ala]LGVNSQRGDD